The following is an entry in ClinVar:

ClinVar aggregate classification (germline): Likely pathogenic (1 of 4 stars; one submission).

Conditions:
Early-infantile DEE. Also called: Early infantile epileptic encephalopathy with suppression bursts; Early infantile epileptic encephalopathy; Ohtahara syndrome. Identifiers: Orphanet 1934, MedGen C0393706, MONDO:0800491.

Allele frequency attached by ClinVar (database versions not stated): gnomAD 0.00001.
gnomAD v4.1: 1 of 1,612,798 alleles (0.000062%); highest among the groups gnomAD compares: African/African-American, 0.0013%; no homozygotes.

Submission:

Labcorp Genetics (formerly Invitae), Labcorp
Classification: Likely pathogenic for Early-infantile DEE. Last evaluated: 2023-10-05. Review status: criteria provided, single submitter. Criteria: Invitae Variant Classification Sherloc (09022015). Collection method: clinical testing. Allele origin: germline.
Comment: This sequence change replaces proline, which is neutral and non-polar, with alanine, which is neutral and non-polar, at codon 768 of the SCN1A protein (p.Pro768Ala). This variant is not present in population databases (gnomAD no frequency). This variant has not been reported in the literature in individuals affected with SCN1A-related conditions. Advanced modeling of protein sequence and biophysical properties (such as structural, functional, and spatial information, amino acid conservation, physicochemical variation, residue mobility, and thermodynamic stability) performed at Invitae indicates that this missense variant is expected to disrupt SCN1A protein function. This variant disrupts the p.Pro768 amino acid residue in SCN1A. Other variant(s) that disrupt this residue have been determined to be pathogenic (PMID: 19350499; Invitae). This suggests that this residue is clinically significant, and that variants that disrupt this residue are likely to be disease-causing. In summary, the currently available evidence indicates that the variant is pathogenic, but additional data are needed to prove that conclusively. Therefore, this variant has been classified as Likely Pathogenic.

Literature cited by the submitters: PubMed 19350499.

NM_001165963.4(SCN1A):c.2302C>G (p.Pro768Ala)

Gene: SCN1A (sodium voltage-gated channel alpha subunit 1; minus strand). Cytogenetic location: 2q24.3.
Variant type: single nucleotide variant.
Coding change: c.2302C>G on transcript NM_001165963.4 (MANE Select); coding-DNA position 2302, C replaced by G.
Protein change: p.Pro768Ala; replaces proline 768 with alanine.
Molecular consequence: missense variant. On other transcripts: 5 prime UTR variant (1), non-coding transcript variant (1).
Genome position (GRCh38, 1-based): chr2:166,041,344, G>C on the plus strand (C>G on the coding strand, the complement: SCN1A is on the minus strand). VCF-style: chr2-166041344-G-C. GRCh37 (hg19) VCF-style: chr2-166897854-G-C.
Other names: c.2218C>G, p.Pro740Ala (NM_001165964.3, NM_001353957.2, NM_001353958.2); c.2302C>G, p.Pro768Ala (NM_001202435.3, NM_001353948.2); c.2269C>G, p.Pro757Ala (NM_001353949.2, NM_001353950.2, NM_001353951.2 and 2 more transcripts); c.2266C>G, p.Pro756Ala (NM_001353954.2, NM_001353955.2); c.2215C>G, p.Pro739Ala (NM_001353960.2); c.-157C>G (NM_001353961.2); short protein forms P739A, P756A, P740A, P757A, P768A.
Identifiers: ClinVar variation 3017016 (VCV003017016.3), dbSNP rs1484260838, ClinGen allele CA349064451.